The following is an entry in ClinVar:

NM_004006.3(DMD):c.6828C>T (p.Pro2276=)

Gene: DMD (dystrophin; minus strand). Cytogenetic location: Xp21.1.
Variant type: single nucleotide variant.
Coding change: c.6828C>T on transcript NM_004006.3 (MANE Select); coding-DNA position 6828, C replaced by T.
Protein change: p.Pro2276=; no amino-acid change (proline 2276 retained).
Molecular consequence: synonymous variant. On other transcripts: 5 prime UTR variant (5).
Genome position (GRCh38, 1-based): chrX:31,929,680, G>A on the plus strand (C>T on the coding strand, the complement: DMD is on the minus strand). VCF-style: chrX-31929680-G-A. GRCh37 (hg19) VCF-style: chrX-31947797-G-A.
Other names: p.P2276P:CCC>CCT; c.6459C>T, p.Pro2153= (NM_004010.3); c.2805C>T, p.Pro935= (NM_004011.4); c.2796C>T, p.Pro932= (NM_004012.4); c.-553C>T (NM_004013.3, NM_004020.4, NM_004021.3 and 2 more transcripts); c.6804C>T, p.Pro2268= (NM_000109.4); c.6816C>T, p.Pro2272= (NM_004009.3).
Identifiers: ClinVar variation 94747 (VCV000094747.60), dbSNP rs72466595, ClinGen allele CA285595.

ClinVar aggregate classification (germline): Conflicting classifications of pathogenicity. Review status: criteria provided, conflicting classifications (1 of 4 stars). 15 submissions from 15 submitters: Uncertain significance (1); Benign (9); Likely benign (1). 4 of the submissions do not count toward it. Last evaluated 2026-01-29.

Conditions:
Dystrophin deficiency.
Duchenne muscular dystrophy (DMD). Also called: MUSCULAR DYSTROPHY, PSEUDOHYPERTROPHIC PROGRESSIVE, DUCHENNE TYPE; Duchenne Muscular Dystrophy (DMD). Identifiers: Orphanet 98896, MedGen C0013264, MONDO:0010679, OMIM 310200.
Cardiomyopathy (CMYO). Also called: Cardiomyopathies. Identifiers: Orphanet 167848, MedGen C0878544, MONDO:0004994, HP:0001638. Inheritance: Various modes of inheritance.
Becker muscular dystrophy (BMD). Also called: MUSCULAR DYSTROPHY, PSEUDOHYPERTROPHIC PROGRESSIVE, BECKER TYPE; Becker Muscular Dystrophy (BMD). Identifiers: Orphanet 98895, MedGen C0917713, MONDO:0010311, OMIM 300376.
Cardiovascular phenotype. Identifiers: MedGen CN230736.
DMD-related disorder. Also called: DMD-related condition.
Dilated cardiomyopathy 3B (CMD3B). Also called: CMD3B: DMD-Related Dilated Cardiomyopathy; CARDIOMYOPATHY, DILATED, X-LINKED; DMD-Associated Dilated Cardiomyopathy. Identifiers: Orphanet 154, MedGen C3668940, MONDO:0010542, OMIM 302045.

Allele frequency attached by ClinVar (database versions not stated): gnomAD 0.00039; TOPMed 0.00039; gnomAD exomes 0.00051 and 0.00075; 1000 Genomes Project 0.00053; ExAC 0.00055; ESP Exome Variant Server 0.00057; 1000 Genomes Project 30x 0.00062.
gnomAD v4.1: 864 of 1,209,058 alleles (0.071%); highest among the groups gnomAD compares: Non-Finnish European, 0.086%; 1 homozygote.

Submissions (15):

Labcorp Genetics (formerly Invitae), Labcorp
Classification: Benign for Duchenne muscular dystrophy. Last evaluated: 2026-01-29. Review status: criteria provided, single submitter. Criteria: Invitae Variant Classification Sherloc (09022015). Collection method: clinical testing. Allele origin: germline.

ARUP Laboratories, Molecular Genetics and Genomics, ARUP Laboratories
Classification: Benign. Last evaluated: 2025-05-19. Review status: criteria provided, single submitter. Criteria: ARUP Molecular Germline Variant Investigation Process 2024. Collection method: clinical testing. Allele origin: germline.

Molecular Diagnostic Laboratory for Inherited Cardiovascular Disease, Montreal Heart Institute
Classification: Benign. Last evaluated: 2025-04-09. Review status: criteria provided, single submitter. Criteria: ACMG Guidelines, 2015. Collection method: clinical testing. Allele origin: germline. Affected: no.

Blueprint Genetics
Classification: Benign. Last evaluated: 2024-08-22. Review status: criteria provided, single submitter. Criteria: ACMG Guidelines, 2015. Collection method: clinical testing. Allele origin: germline.

CeGaT Center for Human Genetics Tuebingen
Classification: Likely benign. Last evaluated: 2024-07-01. Review status: criteria provided, single submitter. Criteria: CeGaT Center For Human Genetics Tuebingen Variant Classification Criteria Version 2. Collection method: clinical testing. Allele origin: germline. Affected: yes. Observed: 2 variant alleles.
Comment: DMD: BP4, BP7, BS2

Women's Health and Genetics/Laboratory Corporation of America, LabCorp
Classification: Benign. Last evaluated: 2023-08-19. Review status: criteria provided, single submitter. Criteria: LabCorp Variant Classification Summary - May 2015. Collection method: clinical testing. Allele origin: germline.

Ambry Genetics
Classification: Benign for Cardiovascular phenotype. Last evaluated: 2019-01-02. Review status: criteria provided, single submitter. Criteria: Ambry Variant Classification Scheme 2023. Collection method: clinical testing. Allele origin: germline.

Laboratory for Molecular Medicine, Mass General Brigham Personalized Medicine
Classification: Benign. Last evaluated: 2018-04-06. Review status: criteria provided, single submitter. Criteria: LMM Criteria. Collection method: clinical testing. Allele origin: germline. Observed: 1 variant allele.
Comment: This variant is classified as benign because it has been identified in 0.05% (96 /200010) of chromosomes in the Genome Aggregation Database (gnomAD; dbSNP rs72466595). This variant is a silent change that do es not alter an amino acid and it is not predicted to impact splicing by in sili co prediction tools. ACMG/AMP Criteria applied: BA1; BP4; BP7.

Illumina Laboratory Services, Illumina
Classification: Uncertain significance for Dilated cardiomyopathy 3B. Last evaluated: 2017-04-27. Review status: criteria provided, single submitter. Criteria: ICSL Variant Classification Criteria 13 December 2019. Collection method: clinical testing. Allele origin: germline.

Eurofins Ntd Llc (ga)
Classification: Benign. Last evaluated: 2016-04-21. Review status: criteria provided, single submitter. Criteria: EGL Classification Definitions 2015. Collection method: clinical testing. Allele origin: germline. Observed: 4 variant alleles, 3 heterozygotes, 1 hemizygote.

GeneDx
Classification: Benign. Last evaluated: 2014-03-13. Review status: criteria provided, single submitter. Criteria: GeneDx Variant Classification (06012015). Collection method: clinical testing. Allele origin: germline. Affected: yes.
Comment: This variant is considered likely benign or benign based on one or more of the following criteria: it is a conservative change, it occurs at a poorly conserved position in the protein, it is predicted to be benign by multiple in silico algorithms, and/or has population frequency not consistent with disease.

PreventionGenetics, part of Exact Sciences
Classification: Likely benign for DMD-related condition. Last evaluated: 2019-11-14. Review status: no assertion criteria provided. Collection method: clinical testing. Allele origin: germline. Not counted in ClinVar's aggregate classification.
Comment: This variant is classified as likely benign based on ACMG/AMP sequence variant interpretation guidelines (Richards et al. 2015 PMID: 25741868, with internal and published modifications).

Natera, Inc.
Classification: Likely benign for Becker muscular dystrophy; Cardiomyopathy; Duchenne muscular dystrophy; Dystrophin deficiency. Last evaluated: 2017-05-25. Review status: no assertion criteria provided. Collection method: clinical testing. Allele origin: germline. Not counted in ClinVar's aggregate classification.

Diagnostic Laboratory, Department of Genetics, University Medical Center Groningen
Classification: Likely benign. Review status: no assertion criteria provided. Collection method: clinical testing. Allele origin: germline. Affected: yes. Study: VKGL Data-share Consensus. Not counted in ClinVar's aggregate classification.

Genome Diagnostics Laboratory, University Medical Center Utrecht
Classification: Likely benign. Review status: no assertion criteria provided. Collection method: clinical testing. Allele origin: germline. Affected: yes. Study: VKGL Data-share Consensus. Not counted in ClinVar's aggregate classification.